The following is an entry in ClinVar:

ClinVar aggregate classification (germline): Uncertain significance. Review status: criteria provided, multiple submitters, no conflicts (2 of 4 stars). 2 submissions from 2 submitters: Uncertain significance (2). Last evaluated 2026-08-31.

Conditions:
Capillary malformation-arteriovenous malformation syndrome. Also called: Capillary malformation-arteriovenous malformation. Identifiers: Orphanet 137667, MedGen C1842180, MONDO:0012016.
Cardiovascular phenotype. Identifiers: MedGen CN230736.

Allele frequency attached by ClinVar (database versions not stated): gnomAD exomes 0.00001.
gnomAD v4.1: 3 of 1,613,844 alleles (0.00019%); highest among the groups gnomAD compares: South Asian, 0.0022%; no homozygotes.

Submissions (2):

Ambry Genetics
Classification: Uncertain significance for Cardiovascular phenotype. Last evaluated: 2026-08-31. Review status: criteria provided, single submitter. Criteria: Ambry Variant Classification Scheme 2023. Collection method: clinical testing. Allele origin: germline.
Comment: The p.L768S variant (also known as c.2303T>C), located in coding exon 17 of the RASA1 gene, results from a T to C substitution at nucleotide position 2303. The leucine at codon 768 is replaced by serine, an amino acid with dissimilar properties. This amino acid position is conserved. In addition, this alteration is predicted to be tolerated by in silico analysis. Based on the available evidence, the clinical significance of this variant remains unclear.

Labcorp Genetics (formerly Invitae), Labcorp
Classification: Uncertain significance for Capillary malformation-arteriovenous malformation syndrome. Last evaluated: 2022-04-28. Review status: criteria provided, single submitter. Criteria: Invitae Variant Classification Sherloc (09022015). Collection method: clinical testing. Allele origin: germline.
Comment: In summary, the available evidence is currently insufficient to determine the role of this variant in disease. Therefore, it has been classified as a Variant of Uncertain Significance. This variant is not present in population databases (gnomAD no frequency). This variant has not been reported in the literature in individuals affected with RASA1-related conditions. Algorithms developed to predict the effect of missense changes on protein structure and function (SIFT, PolyPhen-2, Align-GVGD) all suggest that this variant is likely to be tolerated. This sequence change replaces leucine, which is neutral and non-polar, with serine, which is neutral and polar, at codon 768 of the RASA1 protein (p.Leu768Ser).

NM_002890.3(RASA1):c.2303T>C (p.Leu768Ser)

Genes: CCNH (cyclin H; minus strand), RASA1 (RAS p21 protein activator 1; plus strand). Cytogenetic location: 5q14.3.
Variant type: single nucleotide variant.
Coding change: c.2303T>C on transcript NM_002890.3 (MANE Select); coding-DNA position 2303, T replaced by C.
Protein change: p.Leu768Ser; replaces leucine 768 with serine.
Molecular consequence: missense variant. On other transcripts: intron variant (1).
Genome position (GRCh38, 1-based): chr5:87,376,999, T>C. VCF-style: chr5-87376999-T-C. GRCh37 (hg19) VCF-style: chr5-86672816-T-C.
Other names: c.1772T>C, p.Leu591Ser (NM_022650.3); c.933+18045A>G (NM_001364075.2); short protein forms L591S, L768S.
Identifiers: ClinVar variation 1939570 (VCV001939570.5), dbSNP rs982780381, ClinGen allele CA121813054.
Genomic context (GRCh38, chr5:87,376,999, plus strand): 5'-ACCGAACACTACTGGCCAGCATCCTACTGAGGATTTTTCTTCACGAAAAGCTTGAATCGT[T>C]GTTGTTATGCACACTAAATGACAGAGAAATAAGCATGGAAGGTATGGTATGGCCATGTTA-3'
Protein context (NP_002881.1, residues 758-778): RIFLHEKLES[Leu768Ser]LLCTLNDREI